The following is an entry in ClinVar:

NM_001378454.1(ALMS1):c.12076A>G (p.Arg4026Gly)

Genes: ALMS1 (ALMS1 centrosome and basal body associated protein; plus strand), LOC126806252 (BRD4-independent group 4 enhancer GRCh37_chr2:73828496-73829695; plus strand). Cytogenetic location: 2p13.1.
Variant type: single nucleotide variant.
Coding change: c.12076A>G on transcript NM_001378454.1 (MANE Select); coding-DNA position 12076, A replaced by G.
Protein change: p.Arg4026Gly; replaces arginine 4026 with glycine.
Molecular consequence: missense variant.
Genome position (GRCh38, 1-based): chr2:73,601,398, A>G. VCF-style: chr2-73601398-A-G. GRCh37 (hg19) VCF-style: chr2-73828525-A-G.
Other names: c.12079A>G, p.Arg4027Gly (NM_015120.4); short protein forms R4027G, R4026G.
Identifiers: ClinVar variation 599297 (VCV000599297.11), dbSNP rs754439156, ClinGen allele CA1715418.
Genomic context (GRCh38, chr2:73,601,398, plus strand): 5'-TGTCAGGGGCAGCACCTGGACGGTCGGGGCTACCTGGCAGGCCCAGGCAGAGAGGCTGGC[A>G]GAGACCTACTGAGGCCATTTGTGAGAGCAACCCTTCAGGTGCAGTGACGTTGACTTAACT-3'
Protein context (NP_001365383.1, residues 4016-4036): YLAGPGREAG[Arg4026Gly]DLLRPFVRAT

ClinVar aggregate classification (germline): Conflicting classifications of pathogenicity. Review status: criteria provided, conflicting classifications (1 of 4 stars). 7 submissions from 7 submitters: Uncertain significance (5); Likely benign (1). 1 of the submissions does not count toward it. Last evaluated 2026-04-01.

Conditions:
Monogenic diabetes. Identifiers: Orphanet 183625, MedGen C3888631, MONDO:0015967.
Cardiovascular phenotype. Identifiers: MedGen CN230736.
Alstrom syndrome (ALMS). Identifiers: Orphanet 64, MedGen C0268425, MONDO:0008763, OMIM 203800.

Allele frequency attached by ClinVar (database versions not stated): ExAC 0.00002; gnomAD exomes 0.00004 and 0.00001; gnomAD 0.00001 and 0.00002; TOPMed 0.00003.
gnomAD v4.1: 13 of 1,614,076 alleles (0.00081%); highest among the groups gnomAD compares: East Asian, 0.029%; no homozygotes.

Submissions (7):

GeneDx
Classification: Uncertain significance. Last evaluated: 2026-04-01. Review status: criteria provided, single submitter. Criteria: GeneDx Variant Classification Process June 2021. Collection method: clinical testing. Allele origin: germline.
Comment: In silico analysis does not support a benign or deleterious effect of this variant on protein structure/function; Has not been previously published as pathogenic or benign to our knowledge

Labcorp Genetics (formerly Invitae), Labcorp
Classification: Uncertain significance for Alstrom syndrome. Last evaluated: 2022-05-21. Review status: criteria provided, single submitter. Criteria: Invitae Variant Classification Sherloc (09022015). Collection method: clinical testing. Allele origin: germline.
Comment: This sequence change replaces arginine, which is basic and polar, with glycine, which is neutral and non-polar, at codon 4027 of the ALMS1 protein (p.Arg4027Gly). This variant is present in population databases (rs754439156, gnomAD 0.06%). This variant has not been reported in the literature in individuals affected with ALMS1-related conditions. ClinVar contains an entry for this variant (Variation ID: 599297). In summary, the available evidence is currently insufficient to determine the role of this variant in disease. Therefore, it has been classified as a Variant of Uncertain Significance.

Ambry Genetics
Classification: Uncertain significance for Cardiovascular phenotype. Last evaluated: 2019-03-27. Review status: criteria provided, single submitter. Criteria: Ambry Variant Classification Scheme 2023. Collection method: clinical testing. Allele origin: germline.
Comment: The p.R4027G variant (also known as c.12079A>G), located in coding exon 19 of the ALMS1 gene, results from an A to G substitution at nucleotide position 12079. The arginine at codon 4027 is replaced by glycine, an amino acid with dissimilar properties. This amino acid position is not well conserved in available vertebrate species. In addition, this alteration is predicted to be tolerated by in silico analysis. Since supporting evidence is limited at this time, the clinical significance of this alteration remains unclear.

Personalized Diabetes Medicine Program, University of Maryland School of Medicine
Classification: Likely benign for Monogenic diabetes. Last evaluated: 2017-05-19. Review status: criteria provided, single submitter. Criteria: ACMG Guidelines, 2015. Collection method: research. Allele origin: unknown. Observed: 1 variant allele, 1 heterozygote.
Comment: ACMG criteria: PP3 (3 predictors), BP4 (6 predictors), BP1 (missense when truncating is disease causing)=likely benign

Women's Health and Genetics/Laboratory Corporation of America, LabCorp
Classification: Uncertain significance. Last evaluated: 2017-01-23. Review status: criteria provided, single submitter. Criteria: LabCorp Variant Classification Summary - May 2015. Collection method: clinical testing. Allele origin: germline.
Comment: Variant summary: The ALMS1 c.12073A>G (p.Arg4025Gly, alternative name c.12079A>G) variant causes a missense change involving a non-conserved nucleotide, which 3/4 in silico tools (SNPs&GO not captured due to low reliability index) predict a damaging outcome, although these predicitons have yet to be functionally assessed. The variant of interest was observed in the large, broad control population, ExAC, with an allele frequency of 3/120666 (1/40225), predominantly in the East Asian cohort, 3/8628 (1/2876), which does not exceed the estimated maximal expected allele frequency for a pathogenic ALMS1 variant of 1/447. The variant of interest has not, to our knowledge, been reported in affected individuals via publications and/or reputable databases/clinical diagnostic laboratories. Therefore, until additional information becomes available (ie, clinical and functional studies), the variant of interest has been classified as a "Variant of Uncertain Significance (VUS)."

Clinical Genomics, Uppaluri K&H Personalized Medicine Clinic
Classification: Uncertain significance for Alstrom syndrome. Review status: criteria provided, single submitter. Criteria: K & H Uppaluri Personalized Medicine Clinic Variant Classification & Assertion Criteria_Updated V.1. Collection method: research. Allele origin: unknown. Inheritance: Autosomal recessive inheritance.
Comment: Potent mutations in ALMS1 are associated with a rare condition called Alstrom syndrome. It can cause excessive eating, insulin resistance. However, no evidence is found to ascertain the role of rs754439156 in Alstrom syndrome yet.

Natera, Inc.
Classification: Uncertain significance for Alstrom syndrome. Last evaluated: 2021-03-04. Review status: no assertion criteria provided. Collection method: clinical testing. Allele origin: germline. Not counted in ClinVar's aggregate classification.

Literature cited by the submitters: PubMed 34148947 (cited by Clinical Genomics, Uppaluri K&H Personalized Medicine Clinic); PubMed 25846608 (cited by Clinical Genomics, Uppaluri K&H Personalized Medicine Clinic); PubMed 30421101 (cited by Clinical Genomics, Uppaluri K&H Personalized Medicine Clinic); PubMed 33669459 (cited by Clinical Genomics, Uppaluri K&H Personalized Medicine Clinic).